The following is an entry in ClinVar:

NM_000387.6(SLC25A20):c.497G>A (p.Arg166Gln)

Gene: SLC25A20 (solute carrier family 25 member 20; minus strand). Cytogenetic location: 3p21.31.
Variant type: single nucleotide variant.
Coding change: c.497G>A on transcript NM_000387.6 (MANE Select); coding-DNA position 497, G replaced by A.
Protein change: p.Arg166Gln; replaces arginine 166 with glutamine.
Molecular consequence: missense variant.
Genome position (GRCh38, 1-based): chr3:48,862,580, C>T on the plus strand (G>A on the coding strand, the complement: SLC25A20 is on the minus strand). VCF-style: chr3-48862580-C-T. GRCh37 (hg19) VCF-style: chr3-48900013-C-T.
Other names: short protein forms R166Q.
Identifiers: ClinVar variation 2195369 (VCV002195369.1), dbSNP rs891364777, ClinGen allele CA73982551.
Genomic context (GRCh38, chr3:48,862,580, plus strand): 5'-AAGTGGAGGCCTGAAAGGTTACCTCGCATAAGGGTAAGCACAGTCCCTTTGTAGATGCCT[C>T]GGATCCCAAACTCCTGGTACAGCTTCTTTGCACAGTCCAAGGTACCAGTGTACTTGCTTT-3'
Protein context (NP_000378.1, residues 156-176): AKKLYQEFGI[Arg166Gln]GIYKGTVLTL

ClinVar aggregate classification (germline): Uncertain significance (1 of 4 stars; one submission).

Conditions:
Carnitine acylcarnitine translocase deficiency (CACTD). Identifiers: Orphanet 159, MedGen C0342791, MONDO:0008918, OMIM 212138.

Allele frequency attached by ClinVar (database versions not stated): TOPMed 0.00002; gnomAD exomes 0.00003.
gnomAD v4.1: 36 of 1,613,994 alleles (0.0022%); highest among the groups gnomAD compares: Non-Finnish European, 0.003%; no homozygotes.

Submission:

Labcorp Genetics (formerly Invitae), Labcorp
Classification: Uncertain significance for Carnitine acylcarnitine translocase deficiency. Last evaluated: 2022-05-07. Review status: criteria provided, single submitter. Criteria: Invitae Variant Classification Sherloc (09022015). Collection method: clinical testing. Allele origin: germline.
Comment: This sequence change replaces arginine, which is basic and polar, with glutamine, which is neutral and polar, at codon 166 of the SLC25A20 protein (p.Arg166Gln). This variant is not present in population databases (gnomAD no frequency). This variant has not been reported in the literature in individuals affected with SLC25A20-related conditions. Algorithms developed to predict the effect of missense changes on protein structure and function are either unavailable or do not agree on the potential impact of this missense change (SIFT: "Deleterious"; PolyPhen-2: "Possibly Damaging"; Align-GVGD: "Class C0"). In summary, the available evidence is currently insufficient to determine the role of this variant in disease. Therefore, it has been classified as a Variant of Uncertain Significance.